The following is an entry in ClinVar:

ClinVar aggregate classification (germline): Uncertain significance. Review status: criteria provided, multiple submitters, no conflicts (2 of 4 stars). 3 submissions from 3 submitters: Uncertain significance (3). Last evaluated 2023-08-31.

Conditions:
Aortic aneurysm, familial thoracic 4 (AAT4). Also called: AORTIC ANEURYSM/AORTIC DISSECTION AND PATENT DUCTUS ARTERIOSUS. Identifiers: MedGen C1851504, MONDO:0007568, OMIM 132900.
Familial thoracic aortic aneurysm and aortic dissection (TAAD). Also called: Thoracic aortic aneurysms and dissections. Identifiers: Orphanet 91387, MedGen C4707243, MONDO:0019625.

Allele frequency attached by ClinVar (database versions not stated): TOPMed 0.00001; ExAC 0.00002; gnomAD exomes 0.00002.
gnomAD v4.1: 26 of 1,614,134 alleles (0.0016%); highest among the groups gnomAD compares: Middle Eastern, 0.049%; no homozygotes.

Submissions (3):

Color Diagnostics, LLC DBA Color Health
Classification: Uncertain significance for Familial thoracic aortic aneurysm and aortic dissection. Last evaluated: 2023-08-31. Review status: criteria provided, single submitter. Criteria: ACMG Guidelines, 2015. Collection method: clinical testing. Allele origin: germline.
Comment: This variant is located in the MYH11 protein. Computational prediction suggests that this variant may not impact protein structure and function (internally defined REVEL score threshold <= 0.5, PMID: 27666373). To our knowledge, functional studies have not been reported for this variant. This variant has not been reported in individuals affected with MYH11-related disorders in the literature. This variant has been identified in 4/251378 chromosomes in the general population by the Genome Aggregation Database (gnomAD). The available evidence is insufficient to determine the role of this variant in disease conclusively. Therefore, this variant is classified as a Variant of Uncertain Significance.

Labcorp Genetics (formerly Invitae), Labcorp
Classification: Uncertain significance for Aortic aneurysm, familial thoracic 4. Last evaluated: 2022-04-09. Review status: criteria provided, single submitter. Criteria: Invitae Variant Classification Sherloc (09022015). Collection method: clinical testing. Allele origin: germline.
Comment: This sequence change replaces threonine, which is neutral and polar, with alanine, which is neutral and non-polar, at codon 1822 of the MYH11 protein (p.Thr1822Ala). This variant is present in population databases (rs764219360, gnomAD 0.009%). This variant has not been reported in the literature in individuals affected with MYH11-related conditions. ClinVar contains an entry for this variant (Variation ID: 1171120). Algorithms developed to predict the effect of missense changes on protein structure and function are either unavailable or do not agree on the potential impact of this missense change (SIFT: "Deleterious"; PolyPhen-2: "Benign"; Align-GVGD: "Class C0"). In summary, the available evidence is currently insufficient to determine the role of this variant in disease. Therefore, it has been classified as a Variant of Uncertain Significance.

GeneDx
Classification: Uncertain significance. Last evaluated: 2022-01-10. Review status: criteria provided, single submitter. Criteria: GeneDx Variant Classification Process June 2021. Collection method: clinical testing. Allele origin: germline. Affected: yes.
Comment: Has not been previously published as pathogenic or benign to our knowledge; Not observed at significant frequency in large population cohorts (gnomAD); In silico analysis supports that this missense variant does not alter protein structure/function; Reported in ClinVar as a variant of uncertain significance (ClinVar Variant ID# 1171120)

NM_002474.3(MYH11):c.5443A>G (p.Thr1815Ala)

Genes: NDE1 (nudE neurodevelopment protein 1; plus strand), MYH11 (myosin heavy chain 11; minus strand). Cytogenetic location: 16p13.11.
Variant type: single nucleotide variant.
Coding change: c.5443A>G on transcript NM_002474.3 (MANE Select); coding-DNA position 5443, A replaced by G.
Protein change: p.Thr1815Ala; replaces threonine 1815 with alanine.
Molecular consequence: missense variant. On other transcripts: intron variant (2).
Genome position (GRCh38, 1-based): chr16:15,717,201, T>C on the plus strand (A>G on the coding strand, the complement: MYH11 is on the minus strand). VCF-style: chr16-15717201-T-C. GRCh37 (hg19) VCF-style: chr16-15811058-T-C.
Other names: c.5464A>G, p.Thr1822Ala (NM_001040113.2, NM_001040114.2); c.5443A>G, p.Thr1815Ala (NM_022844.3); c.948-6990T>C (NM_001143979.2, NM_017668.3); short protein forms T1815A, T1822A.
Identifiers: ClinVar variation 1171120 (VCV001171120.8), dbSNP rs764219360, ClinGen allele CA7921271.